The following is an entry in ClinVar:

NM_017654.4(SAMD9):c.950A>G (p.Gln317Arg)

Gene: SAMD9 (sterile alpha motif domain containing 9; minus strand). Cytogenetic location: 7q21.2.
Variant type: single nucleotide variant.
Coding change: c.950A>G on transcript NM_017654.4 (MANE Select); coding-DNA position 950, A replaced by G.
Protein change: p.Gln317Arg; replaces glutamine 317 with arginine.
Molecular consequence: missense variant.
Genome position (GRCh38, 1-based): chr7:93,105,148, T>C on the plus strand (A>G on the coding strand, the complement: SAMD9 is on the minus strand). VCF-style: chr7-93105148-T-C. GRCh37 (hg19) VCF-style: chr7-92734461-T-C.
Other names: c.950A>G, p.Gln317Arg (NM_001193307.2); short protein forms Q317R.
Identifiers: ClinVar variation 3791996 (VCV003791996.1).

ClinVar aggregate classification (germline): Uncertain significance (1 of 4 stars; one submission).

Conditions:
Inborn genetic diseases. Identifiers: MedGen C0950123, MeSH D030342.

Submission:

Ambry Genetics
Classification: Uncertain significance for Inborn genetic diseases. Last evaluated: 2025-01-13. Review status: criteria provided, single submitter. Criteria: Ambry Variant Classification Scheme 2023. Collection method: clinical testing. Allele origin: germline.
Comment: The p.Q317R variant (also known as c.950A>G), located in coding exon 1 of the SAMD9 gene, results from an A to G substitution at nucleotide position 950. The glutamine at codon 317 is replaced by arginine, an amino acid with highly similar properties. This amino acid position is conserved. In addition, this alteration is predicted to be tolerated by in silico analysis. Based on the available evidence, the clinical significance of this variant remains unclear.